The following is an entry in ClinVar:

NM_001429.4(EP300):c.2279A>C (p.Asn760Thr)

Gene: EP300 (EP300 lysine acetyltransferase; plus strand). Cytogenetic location: 22q13.2.
Variant type: single nucleotide variant.
Coding change: c.2279A>C on transcript NM_001429.4 (MANE Select); coding-DNA position 2279, A replaced by C.
Protein change: p.Asn760Thr; replaces asparagine 760 with threonine.
Molecular consequence: missense variant.
Genome position (GRCh38, 1-based): chr22:41,149,075, A>C. VCF-style: chr22-41149075-A-C. GRCh37 (hg19) VCF-style: chr22-41545079-A-C.
Other names: c.2201A>C, p.Asn734Thr (NM_001362843.2); short protein forms N734T, N760T.
Identifiers: ClinVar variation 3671505 (VCV003671505.2).

ClinVar aggregate classification (germline): Uncertain significance (1 of 4 stars; one submission).

Conditions:
Rubinstein-Taybi syndrome due to EP300 haploinsufficiency. Also called: EP300-Related Rubinstein-Taybi Syndrome; RUBINSTEIN-TAYBI SYNDROME 2. Identifiers: Orphanet 353284, Orphanet 783, MedGen C3150941, MONDO:0013364, OMIM 613684.

gnomAD v4.1: 1 of 1,613,824 alleles (0.000062%); highest among the groups gnomAD compares: Non-Finnish European, 0.000085%; no homozygotes.

Submission:

Labcorp Genetics (formerly Invitae), Labcorp
Classification: Uncertain significance for Rubinstein-Taybi syndrome due to EP300 haploinsufficiency. Last evaluated: 2024-08-06. Review status: criteria provided, single submitter. Criteria: Invitae Variant Classification Sherloc (09022015). Collection method: clinical testing. Allele origin: germline.
Comment: This sequence change replaces asparagine, which is neutral and polar, with threonine, which is neutral and polar, at codon 760 of the EP300 protein (p.Asn760Thr). This variant is not present in population databases (gnomAD no frequency). This variant has not been reported in the literature in individuals affected with EP300-related conditions. Advanced modeling of protein sequence and biophysical properties (such as structural, functional, and spatial information, amino acid conservation, physicochemical variation, residue mobility, and thermodynamic stability) performed at Invitae indicates that this missense variant is not expected to disrupt EP300 protein function with a negative predictive value of 95%. In summary, the available evidence is currently insufficient to determine the role of this variant in disease. Therefore, it has been classified as a Variant of Uncertain Significance.